The following is an entry in ClinVar:

ClinVar aggregate classification (germline): Uncertain significance (1 of 4 stars; one submission).

Conditions:
Hyperphosphatasia with impaired intellectual development syndrome 2. Also called: Hyperphosphatasia with intellectual disability syndrome 2; GLYCOSYLPHOSPHATIDYLINOSITOL BIOSYNTHESIS DEFECT 6. Identifiers: Orphanet 247262, MedGen C3553637, MONDO:0013882, OMIM 614749.

Allele frequency attached by ClinVar (database versions not stated): gnomAD exomes below 0.00001.

Submission:

Labcorp Genetics (formerly Invitae), Labcorp
Classification: Uncertain significance for Hyperphosphatasia with impaired intellectual development syndrome 2. Last evaluated: 2022-09-07. Review status: criteria provided, single submitter. Criteria: Invitae Variant Classification Sherloc (09022015). Collection method: clinical testing. Allele origin: germline.
Comment: This variant is not present in population databases (gnomAD no frequency). This sequence change replaces glycine, which is neutral and non-polar, with arginine, which is basic and polar, at codon 770 of the PIGO protein (p.Gly770Arg). This variant has not been reported in the literature in individuals affected with PIGO-related conditions. ClinVar contains an entry for this variant (Variation ID: 1055334). Algorithms developed to predict the effect of missense changes on protein structure and function (SIFT, PolyPhen-2, Align-GVGD) all suggest that this variant is likely to be tolerated. In summary, the available evidence is currently insufficient to determine the role of this variant in disease. Therefore, it has been classified as a Variant of Uncertain Significance.

NM_032634.4(PIGO):c.2308G>A (p.Gly770Arg)

Gene: PIGO (phosphatidylinositol glycan anchor biosynthesis class O; minus strand). Cytogenetic location: 9p13.3.
Variant type: single nucleotide variant.
Coding change: c.2308G>A on transcript NM_032634.4 (MANE Select); coding-DNA position 2308, G replaced by A.
Protein change: p.Gly770Arg; replaces glycine 770 with arginine.
Molecular consequence: missense variant. On other transcripts: intron variant (2).
Genome position (GRCh38, 1-based): chr9:35,091,579, C>T on the plus strand (G>A on the coding strand, the complement: PIGO is on the minus strand). VCF-style: chr9-35091579-C-T. GRCh37 (hg19) VCF-style: chr9-35091576-C-T.
Other names: c.1345-288G>A (NM_152850.4, NM_001201484.2); short protein forms G770R.
Identifiers: ClinVar variation 1055334 (VCV001055334.10), dbSNP rs2131074356, ClinGen allele CA373320280.